The following is an entry in ClinVar:

ClinVar aggregate classification (germline): Uncertain significance. Review status: criteria provided, multiple submitters, no conflicts (2 of 4 stars). 3 submissions from 3 submitters: Uncertain significance (3). Last evaluated 2025-11-17.

Conditions:
LZTR1-related schwannomatosis. Also called: Schwannomatosis 2; Schwannomatosis-2, susceptibility to. Identifiers: Orphanet 93921, MedGen C3810283, MONDO:0014299, OMIM 615670.
Cardiovascular phenotype. Identifiers: MedGen CN230736.
Hereditary cancer-predisposing syndrome. Also called: Hereditary Cancer Syndrome; Hereditary neoplastic syndrome; Neoplastic Syndromes, Hereditary; Tumor predisposition. Identifiers: Orphanet 140162, MedGen C0027672, MeSH D009386, MONDO:0015356.

Allele frequency attached by ClinVar (database versions not stated): TOPMed below 0.00001; gnomAD 0.00001.
gnomAD v4.1: 1 of 1,578,294 alleles (0.000063%); highest among the groups gnomAD compares: Non-Finnish European, 0.000086%; no homozygotes.

Submissions (3):

Labcorp Genetics (formerly Invitae), Labcorp
Classification: Uncertain significance. Last evaluated: 2025-11-17. Review status: criteria provided, single submitter. Criteria: Invitae Variant Classification Sherloc (09022015). Collection method: clinical testing. Allele origin: germline.
Comment: This sequence change replaces lysine, which is basic and polar, with threonine, which is neutral and polar, at codon 484 of the LZTR1 protein (p.Lys484Thr). This variant is present in population databases (no rsID available, gnomAD 0.001%). This variant has not been reported in the literature in individuals affected with LZTR1-related conditions. ClinVar contains an entry for this variant (Variation ID: 1772954). An algorithm developed to predict the effect of missense changes on protein structure and function (PolyPhen-2) suggests that this variant is likely to be tolerated. In summary, the available evidence is currently insufficient to determine the role of this variant in disease. Therefore, it has been classified as a Variant of Uncertain Significance.

Ambry Genetics
Classification: Uncertain significance for Cardiovascular phenotype; Hereditary cancer-predisposing syndrome. Last evaluated: 2025-05-19. Review status: criteria provided, single submitter. Criteria: Ambry Variant Classification Scheme 2023. Collection method: clinical testing. Allele origin: germline.
Comment: The p.K484T variant (also known as c.1451A>C), located in coding exon 14 of the LZTR1 gene, results from an A to C substitution at nucleotide position 1451. The lysine at codon 484 is replaced by threonine, an amino acid with similar properties. This amino acid position is well conserved in available vertebrate species. In addition, this alteration is predicted to be tolerated by in silico analysis. Since supporting evidence is limited at this time, the clinical significance of this alteration remains unclear.

Baylor Genetics
Classification: Uncertain significance for LZTR1-related schwannomatosis. Last evaluated: 2024-02-20. Review status: criteria provided, single submitter. Criteria: ACMG Guidelines, 2015. Collection method: clinical testing. Allele origin: unknown.

NM_006767.4(LZTR1):c.1451A>C (p.Lys484Thr)

Gene: LZTR1 (leucine zipper like post translational regulator 1; plus strand). Cytogenetic location: 22q11.21.
Variant type: single nucleotide variant.
Coding change: c.1451A>C on transcript NM_006767.4 (MANE Select); coding-DNA position 1451, A replaced by C.
Protein change: p.Lys484Thr; replaces lysine 484 with threonine.
Molecular consequence: missense variant.
Genome position (GRCh38, 1-based): chr22:20,994,105, A>C. VCF-style: chr22-20994105-A-C. GRCh37 (hg19) VCF-style: chr22-21348394-A-C.
Other names: short protein forms K484T.
Identifiers: ClinVar variation 1772954 (VCV001772954.7), dbSNP rs1370549934, ClinGen allele CA410775430.